The following is an entry in ClinVar:

ClinVar aggregate classification (germline): Likely benign (1 of 4 stars; one submission).

Conditions:
Loeys-Dietz syndrome 2 (LDS2). Also called: AORTIC ANEURYSM, FAMILIAL THORACIC 3; MARFAN SYNDROME, TYPE II; Marfan syndrome, type 2 (formerly); TGFBR2-Related Loeys-Dietz Syndrome; Marfan Syndrome type 2; Marfan like connective tissue disorder. Identifiers: Orphanet 284973, Orphanet 558, MedGen C2674574, MONDO:0012427, OMIM 610168.

Submission:

Victorian Clinical Genetics Services, Murdoch Childrens Research Institute
Classification: Likely benign for Loeys-Dietz syndrome 2. Last evaluated: 2024-10-11. Review status: criteria provided, single submitter. Criteria: ACMG Guidelines, 2015. Collection method: clinical testing. Allele origin: germline. Inheritance: Autosomal dominant inheritance. Affected: yes.
Comment: Based on the classification scheme VCGS_Germline_v1.3.5, this variant is classified as Likely benign. Following criteria are met: 0103 - Loss of function and gain of function are mechanisms of disease in this gene and are associated with Loeys-Dietz syndrome 2 (MIM#610168). Gain of function has been demonstrated as a potential disease mechanism in patients with Loeys-Dietz syndrome 2, while loss of function has also been suggested for particular missense variants (PMIDs: 20301312, 15731757, 32528524, 28679693). (I) 0107 - This gene is associated with autosomal dominant disease. (I) 0201 - Variant is predicted to cause nonsense-mediated decay (NMD) and loss of protein (premature termination codon is located at least 54 nucleotides upstream of the final exon-exon junction). (SP) 0251 - This variant is heterozygous. (I) 0301 - Variant is absent from gnomAD (v2, v3 and v4). (SP) 0708 - Other NMD-predicted variants comparable to the one identified in this case have conflicting previous evidence for pathogenicity. One other NMD-predicted variant (p.(Phe160Leufs*14)) has been reported in an individual with dysmorphic features and joint laxity (PMID: 31569402), many other NMD-predicted variants have been reported as VUS (ClinVar). (I) 0807 - This variant has no previous evidence of pathogenicity. (I) 0905 - No published segregation evidence has been identified for this variant. (I) 1007 - No published functional evidence has been identified for this variant. (I) Legend: (SP) - Supporting pathogenic, (I) - Information, (SB) - Supporting benign

Literature cited by the submitters: PubMed 15731757; PubMed 20301312; PubMed 22772368; PubMed 28679693; PubMed 31569402; PubMed 32528524.

NM_003242.6(TGFBR2):c.640G>T (p.Glu214Ter)

Gene: TGFBR2 (transforming growth factor beta receptor 2; plus strand). Cytogenetic location: 3p24.1.
Variant type: single nucleotide variant.
Coding change: c.640G>T on transcript NM_003242.6 (MANE Select); coding-DNA position 640, G replaced by T.
Protein change: p.Glu214Ter; replaces glutamic acid 214 with a stop codon.
Molecular consequence: nonsense. On other transcripts: intron variant (1).
Genome position (GRCh38, 1-based): chr3:30,671,823, G>T. VCF-style: chr3-30671823-G-T. GRCh37 (hg19) VCF-style: chr3-30713315-G-T.
Other names: c.643G>T, p.Glu215Ter (NM_001407129.1); c.640G>T, p.Glu214Ter (NM_001407130.1); c.535G>T, p.Glu179Ter (NM_001407132.1, NM_001407133.1, NM_001407134.1 and 2 more transcripts); c.355G>T, p.Glu119Ter (NM_001407137.1); c.280G>T, p.Glu94Ter (NM_001407138.1); c.530-16564G>T (NM_001407139.1); c.715G>T, p.Glu239Ter (NM_001024847.3); c.823G>T, p.Glu275Ter (NM_001407126.1); and 2 more; short protein forms E119*, E179*, E214*, E215*, E223*, E239*, E250*, E275*.
Identifiers: ClinVar variation 3377048 (VCV003377048.1).
Genomic context (GRCh38, chr3:30,671,823, plus strand): 5'-CAGCAGAAGCTGAGTTCAACCTGGGAAACCGGCAAGACGCGGAAGCTCATGGAGTTCAGC[G>T]AGCACTGTGCCATCATCCTGGAAGATGACCGCTCTGACATCAGCTCCACGTGTGCCAACA-3'